The following is an entry in ClinVar:

NM_000384.3(APOB):c.10207A>T (p.Asn3403Tyr)

Gene: APOB (apolipoprotein B; minus strand). Cytogenetic location: 2p24.1.
Variant type: single nucleotide variant.
Coding change: c.10207A>T on transcript NM_000384.3 (MANE Select); coding-DNA position 10207, A replaced by T.
Protein change: p.Asn3403Tyr; replaces asparagine 3403 with tyrosine.
Molecular consequence: missense variant.
Genome position (GRCh38, 1-based): chr2:21,006,661, T>A on the plus strand (A>T on the coding strand, the complement: APOB is on the minus strand). VCF-style: chr2-21006661-T-A. GRCh37 (hg19) VCF-style: chr2-21229533-T-A.
Other names: short protein forms N3403Y.
Identifiers: ClinVar variation 3368693 (VCV003368693.3), dbSNP rs1190217516.
Genomic context (GRCh38, chr2:21,006,661, plus strand): 5'-CTTCCATATTTTTCGTGGTTAAGCTCACAGTACTGTTATGACTACCCTCCACAAATTTGT[T>A]GCTCAGAGACAGAGCTGTGGCTAACTTCAATCCCCTTTTTCTTGTCAATCTTGTGGTGCC-3'
Protein context (NP_000375.3, residues 3393-3413): LKLATALSLS[Asn3403Tyr]KFVEGSHNST

ClinVar aggregate classification (germline): Uncertain significance. Review status: criteria provided, multiple submitters, no conflicts (2 of 4 stars). 3 submissions from 3 submitters: Uncertain significance (3). Last evaluated 2026-01-26.

Conditions:
Cardiovascular phenotype. Identifiers: MedGen CN230736.
Familial hypobetalipoproteinemia 1. Also called: Hypobetalipoproteinemia, normotriglyceridemic; Acanthocytosis with hypobetalipoproteinemia; APOB-Related Familial Hypobetalipoproteinemia. Identifiers: MedGen C4551990, MONDO:0014252, OMIM 615558.
Hypercholesterolemia, autosomal dominant, type B (FHCL2). Also called: Familial Hypercholesterolemia Type B; APOLIPOPROTEIN B-100, FAMILIAL DEFECTIVE; APOLIPOPROTEIN B-100, FAMILIAL LIGAND-DEFECTIVE; HYPERCHOLESTEROLEMIA, FAMILIAL, DUE TO LIGAND-DEFECTIVE APOLIPOPROTEIN B; Hyperlipoproteinemia Type IIb; Familial hypercholesterolemia 2. Identifiers: MedGen C1704417, MONDO:0007751, OMIM 144010.

Allele frequency attached by ClinVar (database versions not stated): gnomAD exomes below 0.00001; gnomAD 0.00001; TOPMed 0.00001.
gnomAD v4.1: 5 of 1,614,108 alleles (0.00031%); highest among the groups gnomAD compares: Non-Finnish European, 0.00042%; no homozygotes.

Submissions (3):

Ambry Genetics
Classification: Uncertain significance for Cardiovascular phenotype. Last evaluated: 2026-01-26. Review status: criteria provided, single submitter. Criteria: Ambry Variant Classification Scheme 2023. Collection method: clinical testing. Allele origin: germline.

Labcorp Genetics (formerly Invitae), Labcorp
Classification: Uncertain significance for Familial hypobetalipoproteinemia 1; Hypercholesterolemia, autosomal dominant, type B. Last evaluated: 2025-04-27. Review status: criteria provided, single submitter. Criteria: Invitae Variant Classification Sherloc (09022015). Collection method: clinical testing. Allele origin: germline.
Comment: This sequence change replaces asparagine, which is neutral and polar, with tyrosine, which is neutral and polar, at codon 3403 of the APOB protein (p.Asn3403Tyr). This variant is present in population databases (no rsID available, gnomAD 0.0009%). This variant has not been reported in the literature in individuals affected with APOB-related conditions. ClinVar contains an entry for this variant (Variation ID: 3368693). Invitae Evidence Modeling of protein sequence and biophysical properties (such as structural, functional, and spatial information, amino acid conservation, physicochemical variation, residue mobility, and thermodynamic stability) indicates that this missense variant is not expected to disrupt APOB protein function with a negative predictive value of 95%. In summary, the available evidence is currently insufficient to determine the role of this variant in disease. Therefore, it has been classified as a Variant of Uncertain Significance.

GeneDx
Classification: Uncertain significance. Last evaluated: 2024-02-01. Review status: criteria provided, single submitter. Criteria: GeneDx Variant Classification Process June 2021. Collection method: clinical testing. Allele origin: germline. Affected: yes.
Comment: Not observed at significant frequency in large population cohorts (gnomAD); In silico analysis supports that this missense variant has a deleterious effect on protein structure/function; Has not been previously published as pathogenic or benign to our knowledge